The following is an entry in ClinVar:

NM_003632.3(CNTNAP1):c.3278C>A (p.Ala1093Asp)

Gene: CNTNAP1 (contactin associated protein 1; plus strand). Cytogenetic location: 17q21.2.
Variant type: single nucleotide variant.
Coding change: c.3278C>A on transcript NM_003632.3 (MANE Select); coding-DNA position 3278, C replaced by A.
Protein change: p.Ala1093Asp; replaces alanine 1093 with aspartic acid.
Molecular consequence: missense variant.
Genome position (GRCh38, 1-based): chr17:42,695,806, C>A. VCF-style: chr17-42695806-C-A. GRCh37 (hg19) VCF-style: chr17-40847824-C-A.
Other names: short protein forms A1093D.
Identifiers: ClinVar variation 1303986 (VCV001303986.2), dbSNP rs1304594342, ClinGen allele CA399624649.

ClinVar aggregate classification (germline): Uncertain significance (1 of 4 stars; one submission).

Allele frequency attached by ClinVar (database versions not stated): gnomAD exomes below 0.00001; gnomAD 0.00001.
gnomAD v4.1: 5 of 1,614,100 alleles (0.00031%); highest among the groups gnomAD compares: Non-Finnish European, 0.00042%; no homozygotes.

Submission:

GeneDx
Classification: Uncertain significance. Last evaluated: 2020-08-24. Review status: criteria provided, single submitter. Criteria: GeneDx Variant Classification Process June 2021. Collection method: clinical testing. Allele origin: germline. Affected: yes.
Comment: Not observed at a significant frequency in large population cohorts (Lek et al., 2016); In silico analysis supports that this missense variant has a deleterious effect on protein structure/function; Has not been previously published as pathogenic or benign to our knowledge